The following is an entry in ClinVar:

NM_006277.3(ITSN2):c.3831C>T (p.Thr1277=)

Gene: ITSN2 (intersectin 2; minus strand). Cytogenetic location: 2p23.3.
Variant type: single nucleotide variant.
Coding change: c.3831C>T on transcript NM_006277.3 (MANE Select); coding-DNA position 3831, C replaced by T.
Protein change: p.Thr1277=; no amino-acid change (threonine 1277 retained).
Molecular consequence: synonymous variant.
Genome position (GRCh38, 1-based): chr2:24,216,208, G>A on the plus strand (C>T on the coding strand, the complement: ITSN2 is on the minus strand). VCF-style: chr2-24216208-G-A. GRCh37 (hg19) VCF-style: chr2-24439077-G-A.
Other names: c.3789C>T, p.Thr1263= (NM_001348181.2); c.3711C>T, p.Thr1237= (NM_001348182.2); c.3750C>T, p.Thr1250= (NM_019595.4).
Identifiers: ClinVar variation 3057497 (VCV003057497.2), dbSNP rs146336289, ClinGen allele CA1550773.
Genomic context (GRCh38, chr2:24,216,208, plus strand): 5'-GTGGGACAGCTCAGCGGCCAGGATGTCCCCAATCATCTGCACCGGCATCTTCTCGCCCCC[G>A]GTCTTCTTCCGCACCCGCAAAGCCCTGCCAAGAACACACTCTCATTTTGTGTTTCTAAGT-3'
Protein context (NP_006268.2, residues 1267-1287): LLKALRVRKK[Thr1277=]GGEKMPVQMI

ClinVar aggregate classification (germline): Likely benign (0 of 4 stars; one submission).

Conditions:
ITSN2-related disorder. Also called: ITSN2-related condition.

Allele frequency attached by ClinVar (database versions not stated): ExAC 0.00016; 1000 Genomes Project 30x 0.00031; 1000 Genomes Project 0.00040; ESP Exome Variant Server 0.00046.
gnomAD v4.1: 128 of 1,605,186 alleles (0.008%); highest among the groups gnomAD compares: African/African-American, 0.13%; no homozygotes.

Submission:

PreventionGenetics, part of Exact Sciences
Classification: Likely benign for ITSN2-related condition. Last evaluated: 2019-04-05. Review status: no assertion criteria provided. Collection method: clinical testing. Allele origin: germline.
Comment: This variant is classified as likely benign based on ACMG/AMP sequence variant interpretation guidelines (Richards et al. 2015 PMID: 25741868, with internal and published modifications).